The following is an entry in ClinVar:

ClinVar aggregate classification (germline): Uncertain significance (0 of 4 stars; one submission).

Conditions:
SCAPER-related disorder. Also called: SCAPER-related condition.

gnomAD v4.1: 5 of 1,606,854 alleles (0.00031%); highest among the groups gnomAD compares: African/African-American, 0.004%; no homozygotes.

Submission:

PreventionGenetics, part of Exact Sciences
Classification: Uncertain significance for SCAPER-related condition. Last evaluated: 2024-09-18. Review status: no assertion criteria provided. Collection method: clinical testing. Allele origin: germline.
Comment: The SCAPER c.2402C>T variant is predicted to result in the amino acid substitution p.Ser801Phe. To our knowledge, this variant has not been reported in the literature. This variant is reported in 0.0065% of alleles in individuals of African descent in gnomAD. At this time, the clinical significance of this variant is uncertain due to the absence of conclusive functional and genetic evidence.

NM_020843.4(SCAPER):c.2384C>T (p.Ser795Phe)

Gene: SCAPER (S-phase cyclin A associated protein in the ER; minus strand). Cytogenetic location: 15q24.3.
Variant type: single nucleotide variant.
Coding change: c.2384C>T on transcript NM_020843.4 (MANE Select); coding-DNA position 2384, C replaced by T.
Protein change: p.Ser795Phe; replaces serine 795 with phenylalanine.
Molecular consequence: missense variant. On other transcripts: non-coding transcript variant (1).
Genome position (GRCh38, 1-based): chr15:76,702,866, G>A on the plus strand (C>T on the coding strand, the complement: SCAPER is on the minus strand). VCF-style: chr15-76702866-G-A. GRCh37 (hg19) VCF-style: chr15-76995207-G-A.
Other names: c.1646C>T, p.Ser549Phe (NM_001145923.2); c.2402C>T, p.Ser801Phe (NM_001353009.2); c.1982C>T, p.Ser661Phe (NM_001353010.2, NM_001353012.2); c.2000C>T, p.Ser667Phe (NM_001353011.2); short protein forms S549F, S661F, S667F, S795F, S801F.
Identifiers: ClinVar variation 3358823 (VCV003358823.1).